The following is an entry in ClinVar:

NM_170606.3(KMT2C):c.5103_5104del (p.Arg1701fs)

Gene: KMT2C (lysine methyltransferase 2C; minus strand). Cytogenetic location: 7q36.1.
Variant type: Microsatellite.
Coding change: c.5103_5104del on transcript NM_170606.3 (MANE Select); coding-DNA positions 5103 to 5104, 2 bases deleted (AG; older notation c.5103_5104delAG).
Protein change: p.Arg1701fs; shifts the reading frame from arginine 1701.
Molecular consequence: frameshift variant.
Genome position (GRCh38, 1-based): chr7:152,183,135-152,183,136, CT deleted on the plus strand (AG on the coding strand, the reverse complement: KMT2C is on the minus strand); deleting any 2 consecutive bases within chr7:152,183,135-152,183,138 gives the same sequence; the c. name uses the placement nearest the transcript's 3' end. VCF-style (leftmost placement, unchanged base first): chr7-152183134-GCT-G. GRCh37 (hg19) VCF-style: chr7-151880219-GCT-G.
Other names: short protein forms R1701fs.
Identifiers: ClinVar variation 419269 (VCV000419269.2), dbSNP rs1064793759, ClinGen allele CA16618422.

ClinVar aggregate classification (germline): Pathogenic (1 of 4 stars; one submission).

Submission:

GeneDx
Classification: Pathogenic. Last evaluated: 2015-07-19. Review status: criteria provided, single submitter. Criteria: GeneDx Variant Classification (06012015). Collection method: clinical testing. Allele origin: germline. Affected: yes.
Comment: The c.5103_5104delAG deletion in the KMT2C gene has not been reported previously as a pathogenic variant nor as a benign polymorphism, to our knowledge. The c.5103_5104delAG deletion is predicted to cause loss of normal protein function either through protein truncation or nonsense-mediated mRNA decay. The c.5103_5104delAG variant was not observed in approximately 6,500 individuals of European and African American ancestry in the NHLBI Exome Sequencing Project, indicating it is not a common benign variant in these populations. We interpret c.5103_5104delAG as a pathogenic variant.